The following is an entry in ClinVar:

NM_017534.6(MYH2):c.2396G>A (p.Arg799Lys)

Genes: MYHAS (myosin heavy chain gene cluster antisense RNA; plus strand), MYH2 (myosin heavy chain 2; minus strand). Cytogenetic location: 17p13.1.
Variant type: single nucleotide variant.
Coding change: c.2396G>A on transcript NM_017534.6 (MANE Select); coding-DNA position 2396, G replaced by A.
Protein change: p.Arg799Lys; replaces arginine 799 with lysine.
Molecular consequence: missense variant.
Genome position (GRCh38, 1-based): chr17:10,533,330, C>T on the plus strand (G>A on the coding strand, the complement: MYH2 is on the minus strand). VCF-style: chr17-10533330-C-T. GRCh37 (hg19) VCF-style: chr17-10436647-C-T.
Other names: c.2396G>A, p.Arg799Lys (NM_001100112.2); short protein forms R799K.
Identifiers: ClinVar variation 3009168 (VCV003009168.3), dbSNP rs754150715, ClinGen allele CA8391136.
Genomic context (GRCh38, chr17:10,533,330, plus strand): 5'-ACATATTTTTTATACCTTCTCTCCACCATCCTCTGGTACTCCACTCTTGCCAAGAACCCT[C>T]TGCACCTGGCCTGGGTTCGGGTAATCAGCTGGGCCAGCTTGTCATCTCGCATCTCCTCTA-3'
Protein context (NP_060004.3, residues 789-809): QLITRTQARC[Arg799Lys]GFLARVEYQR

ClinVar aggregate classification (germline): Uncertain significance (1 of 4 stars; one submission).

Conditions:
Myopathy, proximal, and ophthalmoplegia (CMYO6). Also called: CONGENITAL MYOPATHY 6 WITH OPHTHALMOPLEGIA; MYOPATHY WITH CONGENITAL JOINT CONTRACTURES, OPHTHALMOPLEGIA, AND RIMMED VACUOLES; INCLUSION BODY MYOPATHY 3, AUTOSOMAL DOMINANT. Identifiers: Orphanet 363677, Orphanet 79091, MedGen C1854106, MONDO:0011577, OMIM 605637.

gnomAD v4.1: 7 of 1,614,124 alleles (0.00043%); highest among the groups gnomAD compares: African/African-American, 0.0053%; no homozygotes.

Submission:

Labcorp Genetics (formerly Invitae), Labcorp
Classification: Uncertain significance for Myopathy, proximal, and ophthalmoplegia. Last evaluated: 2023-11-10. Review status: criteria provided, single submitter. Criteria: Invitae Variant Classification Sherloc (09022015). Collection method: clinical testing. Allele origin: germline.
Comment: This sequence change replaces arginine, which is basic and polar, with lysine, which is basic and polar, at codon 799 of the MYH2 protein (p.Arg799Lys). This variant is present in population databases (rs754150715, gnomAD 0.007%). This variant has not been reported in the literature in individuals affected with MYH2-related conditions. Advanced modeling of protein sequence and biophysical properties (such as structural, functional, and spatial information, amino acid conservation, physicochemical variation, residue mobility, and thermodynamic stability) performed at Invitae indicates that this missense variant is not expected to disrupt MYH2 protein function with a negative predictive value of 80%. In summary, the available evidence is currently insufficient to determine the role of this variant in disease. Therefore, it has been classified as a Variant of Uncertain Significance.